The following is an entry in ClinVar:

ClinVar aggregate classification (germline): Likely benign. Review status: criteria provided, multiple submitters, no conflicts (2 of 4 stars). 3 submissions from 3 submitters: Likely benign (3). Last evaluated 2022-12-04.

Allele frequency attached by ClinVar (database versions not stated): gnomAD 0.00001; ExAC 0.00002.
gnomAD v4.1: 15 of 1,614,084 alleles (0.00093%); highest among the groups gnomAD compares: Middle Eastern, 0.05%; no homozygotes.

Submissions (3):

Labcorp Genetics (formerly Invitae), Labcorp
Classification: Likely benign. Last evaluated: 2022-12-04. Review status: criteria provided, single submitter. Criteria: Invitae Variant Classification Sherloc (09022015). Collection method: clinical testing. Allele origin: germline.

Blueprint Genetics
Classification: Likely benign. Last evaluated: 2022-11-28. Review status: criteria provided, single submitter. Criteria: ACMG Guidelines, 2015. Collection method: clinical testing. Allele origin: germline.

CeGaT Center for Human Genetics Tuebingen
Classification: Likely benign. Last evaluated: 2022-06-01. Review status: criteria provided, single submitter. Criteria: CeGaT Center For Human Genetics Tuebingen Variant Classification Criteria Version 2. Collection method: clinical testing. Allele origin: germline. Affected: yes. Observed: 1 variant allele.
Comment: NSUN2: BP4, BP7

NM_017755.6(NSUN2):c.135C>T (p.Asn45=)

Gene: NSUN2 (NOP2/Sun RNA methyltransferase 2; minus strand). Cytogenetic location: 5p15.31.
Variant type: single nucleotide variant.
Coding change: c.135C>T on transcript NM_017755.6 (MANE Select); coding-DNA position 135, C replaced by T.
Protein change: p.Asn45=; no amino-acid change (asparagine 45 retained).
Molecular consequence: synonymous variant. On other transcripts: non-coding transcript variant (1).
Genome position (GRCh38, 1-based): chr5:6,632,718, G>A on the plus strand (C>T on the coding strand, the complement: NSUN2 is on the minus strand). VCF-style: chr5-6632718-G-A. GRCh37 (hg19) VCF-style: chr5-6632831-G-A.
Other names: c.135C>T, p.Asn45= (NM_001193455.2).
Identifiers: ClinVar variation 2655292 (VCV002655292.28), dbSNP rs559963998, ClinGen allele CA3192919.
Genomic context (GRCh38, chr5:6,632,718, plus strand): 5'-CTGGCCCCACTCGCCCTCGGGCACGATCTTGAGCTCCTGGTAGTAGTGCTCGAACAGCTT[G>A]TTCTCCTTGACGATCTCGGGGTAGCCTCCTTCCCAGCCCTGAGGAAGGAAAGAGACGTCT-3'
Protein context (NP_060225.4, residues 35-55): EGGYPEIVKE[Asn45=]KLFEHYYQEL